The following is an entry in ClinVar:

ClinVar aggregate classification (germline): Uncertain significance (1 of 4 stars; one submission).

Allele frequency attached by ClinVar (database versions not stated): gnomAD exomes below 0.00001.
gnomAD v4.1: 3 of 1,614,044 alleles (0.00019%); highest among the groups gnomAD compares: Admixed American, 0.0033%; no homozygotes.

Submission:

Labcorp Genetics (formerly Invitae), Labcorp
Classification: Uncertain significance. Last evaluated: 2025-08-04. Review status: criteria provided, single submitter. Criteria: Invitae Variant Classification Sherloc (09022015). Collection method: clinical testing. Allele origin: germline.
Comment: This sequence change replaces serine, which is neutral and polar, with glycine, which is neutral and non-polar, at codon 231 of the ECHS1 protein (p.Ser231Gly). This variant is not present in population databases (gnomAD no frequency). This variant has not been reported in the literature in individuals affected with ECHS1-related conditions. ClinVar contains an entry for this variant (Variation ID: 1488005). Invitae Evidence Modeling of protein sequence and biophysical properties (such as structural, functional, and spatial information, amino acid conservation, physicochemical variation, residue mobility, and thermodynamic stability) indicates that this missense variant is not expected to disrupt ECHS1 protein function with a negative predictive value of 80%. In summary, the available evidence is currently insufficient to determine the role of this variant in disease. Therefore, it has been classified as a Variant of Uncertain Significance.

NM_004092.4(ECHS1):c.691A>G (p.Ser231Gly)

Gene: ECHS1 (enoyl-CoA hydratase, short chain 1; minus strand). Cytogenetic location: 10q26.3.
Variant type: single nucleotide variant.
Coding change: c.691A>G on transcript NM_004092.4 (MANE Select); coding-DNA position 691, A replaced by G.
Protein change: p.Ser231Gly; replaces serine 231 with glycine.
Molecular consequence: missense variant.
Genome position (GRCh38, 1-based): chr10:133,366,024, T>C on the plus strand (A>G on the coding strand, the complement: ECHS1 is on the minus strand). VCF-style: chr10-133366024-T-C. GRCh37 (hg19) VCF-style: chr10-135179528-T-C.
Other names: short protein forms S231G.
Identifiers: ClinVar variation 1488005 (VCV001488005.7), dbSNP rs2133439728, ClinGen allele CA378818688.
Genomic context (GRCh38, chr10:133,366,024, plus strand): 5'-CAGATCCCCTACCTGCATTCACTGATTCTTTGGCCATCGCTACTACAATTTTAGAATTGC[T>C]GGCAATTTTTTCTGCACACTGGATGGCTTCTTCCACCAGTGTCTCAACAGGACAAATCTT-3'
Protein context (NP_004083.3, residues 221-241): EAIQCAEKIA[Ser231Gly]NSKIVVAMAK